The following is an entry in ClinVar:

ClinVar aggregate classification (germline): Uncertain significance. Review status: criteria provided, multiple submitters, no conflicts (2 of 4 stars). 2 submissions from 2 submitters: Uncertain significance (2). Last evaluated 2023-12-29.

Conditions:
Fanconi anemia complementation group P. Also called: SLX4-Related Fanconi Anemia. Identifiers: Orphanet 84, MedGen C3469542, MONDO:0013499, OMIM 613951.
Fanconi anemia (FA). Also called: Fanconi's anemia. Identifiers: Orphanet 84, MedGen C0015625, MeSH D005199, MONDO:0019391.

Submissions (2):

Fulgent Genetics
Classification: Uncertain significance for Fanconi anemia complementation group P. Last evaluated: 2023-12-29. Review status: criteria provided, single submitter. Criteria: ACMG Guidelines, 2015. Collection method: clinical testing. Allele origin: germline.

Labcorp Genetics (formerly Invitae), Labcorp
Classification: Uncertain significance for Fanconi anemia. Last evaluated: 2022-06-15. Review status: criteria provided, single submitter. Criteria: Invitae Variant Classification Sherloc (09022015). Collection method: clinical testing. Allele origin: germline.
Comment: In summary, the available evidence is currently insufficient to determine the role of this variant in disease. Therefore, it has been classified as a Variant of Uncertain Significance. Algorithms developed to predict the effect of missense changes on protein structure and function are either unavailable or do not agree on the potential impact of this missense change (SIFT: "Deleterious"; PolyPhen-2: "Probably Damaging"; Align-GVGD: "Class C0"). This variant has not been reported in the literature in individuals affected with SLX4-related conditions. This variant is not present in population databases (gnomAD no frequency). This sequence change replaces alanine, which is neutral and non-polar, with proline, which is neutral and non-polar, at codon 370 of the SLX4 protein (p.Ala370Pro).

NM_032444.4(SLX4):c.1108G>C (p.Ala370Pro)

Gene: SLX4 (SLX4 structure-specific endonuclease subunit; minus strand). Cytogenetic location: 16p13.3.
Variant type: single nucleotide variant.
Coding change: c.1108G>C on transcript NM_032444.4 (MANE Select); coding-DNA position 1108, G replaced by C.
Protein change: p.Ala370Pro; replaces alanine 370 with proline.
Molecular consequence: missense variant.
Genome position (GRCh38, 1-based): chr16:3,601,034, C>G on the plus strand (G>C on the coding strand, the complement: SLX4 is on the minus strand). VCF-style: chr16-3601034-C-G. GRCh37 (hg19) VCF-style: chr16-3651035-C-G.
Other names: short protein forms A370P.
Identifiers: ClinVar variation 2122968 (VCV002122968.5), dbSNP rs979070933, ClinGen allele CA394531455.
Genomic context (GRCh38, chr16:3,601,034, plus strand): 5'-CTTACCTGAACATGGGTGGGCTGCTGCTACCCTCAGGCTGTGCTGTCTGCAGCCGCACAG[C>G]CTGAAGCAGGAGCTGGGGGCCAACCTCCATCTTCACAGCACACTGCTTCAAGTGACTGGT-3'
Protein context (NP_115820.2, residues 360-380): MEVGPQLLLQ[Ala370Pro]VRLQTAQPEG